The following is an entry in ClinVar:

NM_002432.3(MNDA):c.947C>T (p.Ala316Val)

Gene: MNDA (myeloid cell nuclear differentiation antigen; plus strand). Cytogenetic location: 1q23.1.
Variant type: single nucleotide variant.
Coding change: c.947C>T on transcript NM_002432.3 (MANE Select); coding-DNA position 947, C replaced by T.
Protein change: p.Ala316Val; replaces alanine 316 with valine.
Molecular consequence: missense variant.
Genome position (GRCh38, 1-based): chr1:158,845,963, C>T. VCF-style: chr1-158845963-C-T. GRCh37 (hg19) VCF-style: chr1-158815753-C-T.
Other names: short protein forms A316V.
Identifiers: ClinVar variation 2496896 (VCV002496896.2), dbSNP rs2526088331, ClinGen allele CA343042456.

ClinVar aggregate classification (germline): Uncertain significance (1 of 4 stars; one submission).

Submission:

Ambry Genetics
Classification: Uncertain significance. Last evaluated: 2023-01-19. Review status: criteria provided, single submitter. Criteria: Ambry Variant Classification Scheme 2023. Collection method: clinical testing. Allele origin: germline.
Comment: The p.A316V variant (also known as c.947C>T), located in coding exon 4 of the MNDA gene, results from a C to T substitution at nucleotide position 947. The alanine at codon 316 is replaced by valine, an amino acid with similar properties. This amino acid position is conserved. In addition, this alteration is predicted to be tolerated by in silico analysis. Since supporting evidence is limited at this time, the clinical significance of this alteration remains unclear.